The following is an entry in ClinVar:

ClinVar aggregate classification (germline): Uncertain significance. Review status: criteria provided, multiple submitters, no conflicts (2 of 4 stars). 2 submissions from 2 submitters: Uncertain significance (2). Last evaluated 2026-04-30.

Conditions:
Cardiovascular phenotype. Identifiers: MedGen CN230736.
Brugada syndrome 6 (BRGDA6). Identifiers: Orphanet 130, MedGen C2751089, MONDO:0013145, OMIM 613119.

Allele frequency attached by ClinVar (database versions not stated): TOPMed 0.00001; gnomAD exomes 0.00003; gnomAD 0.00001.

Submissions (2):

Ambry Genetics
Classification: Uncertain significance for Cardiovascular phenotype. Last evaluated: 2026-04-30. Review status: criteria provided, single submitter. Criteria: Ambry Variant Classification Scheme 2023. Collection method: clinical testing. Allele origin: germline.
Comment: The c.278_279delAT variant, located in coding exon 1 of the KCNE3 gene, results from a deletion of two nucleotides at nucleotide positions 278 to 279, causing a translational frameshift with a predicted alternate stop codon (p.H93Rfs*54). The evidence for this gene-disease relationship is limited; therefore, the clinical significance of this variant is unclear.

Labcorp Genetics (formerly Invitae), Labcorp
Classification: Uncertain significance for Brugada syndrome 6. Last evaluated: 2025-09-16. Review status: criteria provided, single submitter. Criteria: Invitae Variant Classification Sherloc (09022015). Collection method: clinical testing. Allele origin: germline.
Comment: This sequence change is expected to alter the c-terminus of the KCNE3 protein (p.His93Argfs*54). While this is not anticipated to result in nonsense mediated decay, it is expected to disrupt the last 11 amino acid(s) of the KCNE3 protein and extend the protein by 42 additional amino acid residues. This variant is present in population databases (no rsID available, gnomAD 0.003%). This variant has not been reported in the literature in individuals affected with KCNE3-related conditions. ClinVar contains an entry for this variant (Variation ID: 3016290). Experimental studies and prediction algorithms are not available or were not evaluated, and the functional significance of this variant is currently unknown. In summary, the available evidence is currently insufficient to determine the role of this variant in disease. Therefore, it has been classified as a Variant of Uncertain Significance.

NM_005472.5(KCNE3):c.278_279del (p.His93fs)

Gene: KCNE3 (potassium voltage-gated channel subfamily E regulatory subunit 3; minus strand). Cytogenetic location: 11q13.4.
Variant type: Deletion.
Coding change: c.278_279del on transcript NM_005472.5 (MANE Select); coding-DNA positions 278 to 279, 2 bases deleted (AT; older notation c.278_279delAT).
Protein change: p.His93fs; shifts the reading frame from histidine 93.
Molecular consequence: frameshift variant.
Genome position (GRCh38, 1-based): chr11:74,457,285-74,457,286, AT deleted on the plus strand (AT on the coding strand, the reverse complement: KCNE3 is on the minus strand). VCF-style (leftmost placement, unchanged base first): chr11-74457284-CAT-C. GRCh37 (hg19) VCF-style: chr11-74168329-CAT-C.
Other names: short protein forms H93fs.
Identifiers: ClinVar variation 3016290 (VCV003016290.4), dbSNP rs1476781635, ClinGen allele CA600393531.